The following is an entry in ClinVar:

NM_032776.3(JMJD1C):c.5350A>G (p.Met1784Val)

Gene: JMJD1C (jumonji domain containing 1C; minus strand). Cytogenetic location: 10q21.3.
Variant type: single nucleotide variant.
Coding change: c.5350A>G on transcript NM_032776.3 (MANE Select); coding-DNA position 5350, A replaced by G.
Protein change: p.Met1784Val; replaces methionine 1784 with valine.
Molecular consequence: missense variant. On other transcripts: non-coding transcript variant (1).
Genome position (GRCh38, 1-based): chr10:63,198,654, T>C on the plus strand (A>G on the coding strand, the complement: JMJD1C is on the minus strand). VCF-style: chr10-63198654-T-C. GRCh37 (hg19) VCF-style: chr10-64958414-T-C.
Other names: c.4804A>G, p.Met1602Val (NM_001282948.2, NM_001318154.2); c.4486A>G, p.Met1496Val (NM_001318153.2); c.5236A>G, p.Met1746Val (NM_001322252.2); c.4693A>G, p.Met1565Val (NM_001322254.2, NM_001322258.2); c.5350A>G (NM_032776.1); short protein forms M1496V, M1602V, M1565V, M1746V, M1784V.
Identifiers: ClinVar variation 1384009 (VCV001384009.30), dbSNP rs796695209, ClinGen allele CA208364491.

ClinVar aggregate classification (germline): Conflicting classifications of pathogenicity. Review status: criteria provided, conflicting classifications (1 of 4 stars). 3 submissions from 3 submitters: Uncertain significance (2); Likely benign (1). Last evaluated 2025-07-12.

Conditions:
Early Myoclonic Encephalopathy. Identifiers: MedGen C0270855.

Allele frequency attached by ClinVar (database versions not stated): gnomAD exomes 0.00001; gnomAD 0.00002; TOPMed 0.00002.

Submissions (3):

Ambry Genetics
Classification: Uncertain significance. Last evaluated: 2025-07-12. Review status: criteria provided, single submitter. Criteria: Ambry Variant Classification Scheme 2023. Collection method: clinical testing. Allele origin: germline.

Labcorp Genetics (formerly Invitae), Labcorp
Classification: Uncertain significance for Early Myoclonic Encephalopathy. Last evaluated: 2023-04-24. Review status: criteria provided, single submitter. Criteria: Invitae Variant Classification Sherloc (09022015). Collection method: clinical testing. Allele origin: germline.
Comment: In summary, the available evidence is currently insufficient to determine the role of this variant in disease. Therefore, it has been classified as a Variant of Uncertain Significance. Algorithms developed to predict the effect of sequence changes on RNA splicing suggest that this variant may create or strengthen a splice site. Advanced modeling of protein sequence and biophysical properties (such as structural, functional, and spatial information, amino acid conservation, physicochemical variation, residue mobility, and thermodynamic stability) performed at Invitae indicates that this missense variant is not expected to disrupt JMJD1C protein function. ClinVar contains an entry for this variant (Variation ID: 1384009). This variant has not been reported in the literature in individuals affected with JMJD1C-related conditions. This variant is present in population databases (rs796695209, gnomAD 0.007%). This sequence change replaces methionine, which is neutral and non-polar, with valine, which is neutral and non-polar, at codon 1784 of the JMJD1C protein (p.Met1784Val).

CeGaT Center for Human Genetics Tuebingen
Classification: Likely benign. Last evaluated: 2022-08-01. Review status: criteria provided, single submitter. Criteria: CeGaT Center For Human Genetics Tuebingen Variant Classification Criteria Version 2. Collection method: clinical testing. Allele origin: germline. Affected: yes. Observed: 1 variant allele.
Comment: JMJD1C: BP4